The following is an entry in ClinVar:

NM_138694.4(PKHD1):c.8604_8605del (p.Trp2868fs)

Gene: PKHD1 (PKHD1 ciliary IPT domain containing fibrocystin/polyductin; minus strand). Cytogenetic location: 6p12.3.
Variant type: Deletion.
Coding change: c.8604_8605del on transcript NM_138694.4 (MANE Select); coding-DNA positions 8604 to 8605, 2 bases deleted (GA; older notation c.8604_8605delGA).
Protein change: p.Trp2868fs; shifts the reading frame from tryptophan 2868.
Molecular consequence: frameshift variant.
Genome position (GRCh38, 1-based): chr6:51,772,739-51,772,740, TC deleted on the plus strand (GA on the coding strand, the reverse complement: PKHD1 is on the minus strand). VCF-style (leftmost placement, unchanged base first): chr6-51772738-GTC-G. GRCh37 (hg19) VCF-style: chr6-51637536-GTC-G.
Other names: c.8604_8605del (NM_138694.3); c.8604_8605del, p.Trp2868fs (NM_170724.3); short protein forms W2868fs.
Identifiers: ClinVar variation 2982267 (VCV002982267.5), dbSNP rs2534279539, ClinGen allele CA2695206572.

ClinVar aggregate classification (germline): Pathogenic/Likely pathogenic. Review status: criteria provided, multiple submitters, no conflicts (2 of 4 stars). 2 submissions from 2 submitters: Pathogenic (1); Likely pathogenic (1). Last evaluated 2025-03-26.

Conditions:
Autosomal recessive polycystic kidney disease (ARPKD). Also called: AR polycystic kidney disease. Identifiers: Orphanet 731, Orphanet 8378, MedGen C0085548, MeSH D017044, MONDO:0009889.

Submissions (2):

Natera, Inc.
Classification: Likely pathogenic for Autosomal recessive polycystic kidney disease. Last evaluated: 2025-03-26. Review status: criteria provided, single submitter. Criteria: Natera Variant Classification Schema (03/2026). Collection method: clinical testing. Allele origin: germline.
Comment: The c.8604_8605del variant in PKHD1 is a frameshift variant predicted to shift the reading frame beginning at codon 2868 and leads to a stop codon 6 codons downstream. This variant is expected to result in nonsense mediated decay, truncation, or a dysfunctional protein product. This variant is rare in the general population with a frequency below the threshold expected for the associated phenotype(s). Given the available evidence, this variant is classified as Likely Pathogenic.

Labcorp Genetics (formerly Invitae), Labcorp
Classification: Pathogenic for Autosomal recessive polycystic kidney disease. Last evaluated: 2024-08-28. Review status: criteria provided, single submitter. Criteria: Invitae Variant Classification Sherloc (09022015). Collection method: clinical testing. Allele origin: germline.
Comment: This sequence change creates a premature translational stop signal (p.Trp2868Cysfs*6) in the PKHD1 gene. It is expected to result in an absent or disrupted protein product. Loss-of-function variants in PKHD1 are known to be pathogenic (PMID: 19940839). This variant is not present in population databases (gnomAD no frequency). This variant has not been reported in the literature in individuals affected with PKHD1-related conditions. For these reasons, this variant has been classified as Pathogenic.

Literature cited by the submitters: PubMed 19940839 (cited by Labcorp Genetics (formerly Invitae), Labcorp).